The following is an entry in ClinVar:

ClinVar aggregate classification (germline): Likely pathogenic (1 of 4 stars; one submission).

Submission:

Dasa
Classification: Likely pathogenic. Last evaluated: 2024-09-09. Review status: criteria provided, single submitter. Criteria: DASA Assertion Criteria. Collection method: clinical testing. Allele origin: germline.
Comment: NM_001379403.1(WDR26):c.1331del (p.Pro444Hisfs*27) is a frameshift variant in WDR26 predicted to alter the reading frame and introduce a premature termination codon and is predicted to result in an absent or altered protein product. Loss of function is an established disease mechanism for WDR26 (PMID: 28686853; PMID: 33675273; PMID: 33506510). Also, this variant is absent from population databases. Based on the currently available evidence, this variant is classified as likely pathogenic.

Literature cited by the submitters: PubMed 28686853; PubMed 33675273; PubMed 33506510.

NM_001379403.1(WDR26):c.1331del (p.Pro444fs)

Gene: WDR26 (WD repeat domain 26; minus strand). Cytogenetic location: 1q42.12.
Variant type: Deletion.
Coding change: c.1331del on transcript NM_001379403.1 (MANE Select); coding-DNA position 1331, one base deleted (C; older notation c.1331delC).
Protein change: p.Pro444fs; shifts the reading frame from proline 444.
Molecular consequence: frameshift variant.
Genome position (GRCh38, 1-based): chr1:224,411,554, G deleted on the plus strand (C on the coding strand, the reverse complement: WDR26 is on the minus strand); the first of 3 consecutive G bases (chr1:224,411,554-224,411,556); deleting any one gives the same sequence. VCF-style (leftmost placement, unchanged base first): chr1-224411553-TG-T. GRCh37 (hg19) VCF-style: chr1-224599255-TG-T.
Other names: c.983del, p.Pro328fs (NM_001115113.3); c.1031del, p.Pro344fs (NM_025160.7); short protein forms P328fs, P344fs, P444fs.
Identifiers: ClinVar variation 4880514 (VCV004880514.2).